The following is an entry in ClinVar:

NM_033100.4(CDHR1):c.79TTC[1] (p.Phe28del)

Gene: CDHR1 (cadherin related family member 1; plus strand). Cytogenetic location: 10q23.1.
Variant type: Microsatellite.
Coding change: c.79TTC[1] on transcript NM_033100.4 (MANE Select); one copy of the 3-base unit TTC starting at c.79; the reference has two copies in a row; one copy, 3 bases deleted.
Protein change: p.Phe28del; deletes phenylalanine 28.
Molecular consequence: inframe deletion.
Genome position (GRCh38, 1-based): chr10:84,195,520-84,195,522, TTC deleted; deleting any 3 consecutive bases within chr10:84,195,516-84,195,522 gives the same sequence; the position shown is the placement nearest the transcript's 3' end. VCF-style (leftmost placement, unchanged base first): chr10-84195515-ACTT-A. GRCh37 (hg19) VCF-style: chr10-85955271-ACTT-A.
Other names: c.79TTC[1], p.Phe28del (NM_001171971.3); short protein forms F28del.
Identifiers: ClinVar variation 1466699 (VCV001466699.4), dbSNP rs2132784830, ClinGen allele CA2558503491.

ClinVar aggregate classification (germline): Uncertain significance (1 of 4 stars; one submission).

Submission:

Labcorp Genetics (formerly Invitae), Labcorp
Classification: Uncertain significance. Last evaluated: 2021-10-01. Review status: criteria provided, single submitter. Criteria: Invitae Variant Classification Sherloc (09022015). Collection method: clinical testing. Allele origin: germline.
Comment: In summary, the available evidence is currently insufficient to determine the role of this variant in disease. Therefore, it has been classified as a Variant of Uncertain Significance. Experimental studies and prediction algorithms are not available or were not evaluated, and the functional significance of this variant is currently unknown. This variant has not been reported in the literature in individuals affected with CDHR1-related conditions. This variant is not present in population databases (ExAC no frequency). This variant, c.82_84del, results in the deletion of 1 amino acid(s) of the CDHR1 protein (p.Phe28del), but otherwise preserves the integrity of the reading frame.